The following is an entry in ClinVar:

ClinVar aggregate classification (germline): Uncertain significance (1 of 4 stars; one submission).

Conditions:
Catecholaminergic polymorphic ventricular tachycardia 1. Also called: VENTRICULAR TACHYCARDIA, STRESS-INDUCED POLYMORPHIC 1; RYR2-Related Catecholaminergic Polymorphic Ventricular Tachycardia; VENTRICULAR TACHYCARDIA, CATECHOLAMINERGIC POLYMORPHIC, 1, WITH OR WITHOUT ATRIAL DYSFUNCTION AND/OR DILATED CARDIOMYOPATHY. Identifiers: Orphanet 3286, MedGen C1631597, MONDO:0011484, OMIM 604772.

Submission:

Labcorp Genetics (formerly Invitae), Labcorp
Classification: Uncertain significance for Catecholaminergic polymorphic ventricular tachycardia 1. Last evaluated: 2025-09-09. Review status: criteria provided, single submitter. Criteria: Invitae Variant Classification Sherloc (09022015). Collection method: clinical testing. Allele origin: germline.
Comment: This sequence change replaces proline, which is neutral and non-polar, with alanine, which is neutral and non-polar, at codon 2582 of the RYR2 protein (p.Pro2582Ala). This variant is not present in population databases (gnomAD no frequency). This variant has not been reported in the literature in individuals affected with RYR2-related conditions. Invitae Evidence Modeling of protein sequence and biophysical properties (such as structural, functional, and spatial information, amino acid conservation, physicochemical variation, residue mobility, and thermodynamic stability) indicates that this missense variant is expected to disrupt RYR2 protein function with a positive predictive value of 95%. In summary, the available evidence is currently insufficient to determine the role of this variant in disease. Therefore, it has been classified as a Variant of Uncertain Significance.

NM_001035.3(RYR2):c.7744C>G (p.Pro2582Ala)

Gene: RYR2 (ryanodine receptor 2; plus strand). Cytogenetic location: 1q43.
Variant type: single nucleotide variant.
Coding change: c.7744C>G on transcript NM_001035.3 (MANE Select); coding-DNA position 7744, C replaced by G.
Protein change: p.Pro2582Ala; replaces proline 2582 with alanine.
Molecular consequence: missense variant.
Genome position (GRCh38, 1-based): chr1:237,651,421, C>G. VCF-style: chr1-237651421-C-G. GRCh37 (hg19) VCF-style: chr1-237814721-C-G.
Other names: short protein forms P2582A.
Identifiers: ClinVar variation 4799524 (VCV004799524.1).
Genomic context (GRCh38, chr1:237,651,421, plus strand): 5'-TAGTTTAGAAACATTTCTTGGCATTATGAACATTAGCTTTGTTCCAACAGACAACTGAGA[C>G]CTTCTATGATGCAGCACTTACTCAGAAGATTAGTATTTGATGTTCCATTATTAAATGAAC-3'
Protein context (NP_001026.2, residues 2572-2592): CLLSICGQLR[Pro2582Ala]SMMQHLLRRL